The following is an entry in ClinVar:

ClinVar aggregate classification (germline): Uncertain significance (1 of 4 stars; one submission).

Conditions:
Inborn genetic diseases. Identifiers: MedGen C0950123, MeSH D030342.

gnomAD v4.1: 2 of 1,612,734 alleles (0.00012%); highest among the groups gnomAD compares: Non-Finnish European, 0.00017%; no homozygotes.

Submission:

Ambry Genetics
Classification: Uncertain significance for Inborn genetic diseases. Last evaluated: 2025-12-09. Review status: criteria provided, single submitter. Criteria: Ambry Variant Classification Scheme 2023. Collection method: clinical testing. Allele origin: germline.
Comment: The c.1982A>G (p.D661G) alteration is located in exon 8 (coding exon 6) of the KAT6B gene. This alteration results from a A to G substitution at nucleotide position 1982, causing the aspartic acid (D) at amino acid position 661 to be replaced by a glycine (G). Based on data from gnomAD, the G allele has an overall frequency of <0.001% (1/245400) total alleles studied. The highest observed frequency was 0.001% (1/111028) of European (non-Finnish) alleles. Based on insufficient or conflicting evidence, the clinical significance of this alteration remains unclear.

NM_012330.4(KAT6B):c.1982A>G (p.Asp661Gly)

Gene: KAT6B (lysine acetyltransferase 6B; plus strand). Cytogenetic location: 10q22.2.
Variant type: single nucleotide variant.
Coding change: c.1982A>G on transcript NM_012330.4 (MANE Select); coding-DNA position 1982, A replaced by G.
Protein change: p.Asp661Gly; replaces aspartic acid 661 with glycine.
Molecular consequence: missense variant. On other transcripts: intron variant (13).
Genome position (GRCh38, 1-based): chr10:74,976,319, A>G. VCF-style: chr10-74976319-A-G. GRCh37 (hg19) VCF-style: chr10-76736077-A-G.
Other names: c.929-997A>G (NM_001370143.1, NM_001370144.1); c.1444+538A>G (NM_001256468.2, NM_001370138.1); c.1117+865A>G (NM_001256469.2, NM_001370132.1, NM_001370142.1 and 3 more transcripts); c.193-12700A>G (NM_001370135.1); c.846+6544A>G (NM_001370133.1); c.193-2905A>G (NM_001370134.1); c.1982A>G, p.Asp661Gly (NM_001370136.1, NM_001370137.1); short protein forms D661G.
Identifiers: ClinVar variation 4622456 (VCV004622456.1).